The following is an entry in ClinVar:

NM_000532.5(PCCB):c.654+1G>C

Gene: PCCB (propionyl-CoA carboxylase subunit beta; plus strand). Cytogenetic location: 3q22.3.
Variant type: single nucleotide variant.
Coding change: c.654+1G>C on transcript NM_000532.5 (MANE Select); the canonical splice donor site of the intron after coding-DNA position 654, G replaced by C.
Molecular consequence: splice donor variant.
Genome position (GRCh38, 1-based): chr3:136,283,948, G>C. VCF-style: chr3-136283948-G-C. GRCh37 (hg19) VCF-style: chr3-136002790-G-C.
Other names: c.714+1G>C (NM_001178014.2).
Identifiers: ClinVar variation 557030 (VCV000557030.3), dbSNP rs1553777590, ClinGen allele CA354641989.

ClinVar aggregate classification (germline): Likely pathogenic. Review status: criteria provided, single submitter (1 of 4 stars). 2 submissions from 2 submitters: Likely pathogenic (1). 1 of the submissions does not count toward it. Last evaluated 2024-07-29.

Conditions:
Propionic acidemia (PROP). Also called: GLYCINEMIA, KETOTIC; HYPERGLYCINEMIA WITH KETOACIDOSIS AND LEUKOPENIA; KETOTIC HYPERGLYCINEMIA. Identifiers: Orphanet 35, MedGen C0268579, MONDO:0011628, OMIM 606054, HP:0003571.

Submissions (2):

Natera, Inc.
Classification: Likely pathogenic for Propionic acidemia. Last evaluated: 2024-07-29. Review status: criteria provided, single submitter. Criteria: Natera Variant Classification Schema (03/2026). Collection method: clinical testing. Allele origin: germline.
Comment: The c.654+1G>C variant in PCCB is a canonical splice donor site variant predicted to affect pre-mRNA splicing, which may result in an abnormal transcript and altered protein product. This variant is expected to result in nonsense mediated decay, truncation, or a dysfunctional protein product. This variant is rare in the general population with a frequency below the threshold expected for the associated phenotype(s). Given the available evidence, this variant is classified as Likely Pathogenic.

Counsyl
Classification: Likely pathogenic for Propionic acidemia. Last evaluated: 2018-03-07. Review status: no assertion criteria provided. Collection method: clinical testing. Allele origin: unknown. Not counted in ClinVar's aggregate classification.